The following is an entry in ClinVar:

NM_000454.5(SOD1):c.49G>A (p.Gly17Ser)

Genes: SOD1 (superoxide dismutase 1; plus strand), SOD1-DT (SOD1 divergent transcript; minus strand). Cytogenetic location: 21q22.11.
Variant type: single nucleotide variant.
Coding change: c.49G>A on transcript NM_000454.5 (MANE Select); coding-DNA position 49, G replaced by A.
Protein change: p.Gly17Ser; replaces glycine 17 with serine.
Molecular consequence: missense variant.
Genome position (GRCh38, 1-based): chr21:31,659,818, G>A. VCF-style: chr21-31659818-G-A. GRCh37 (hg19) VCF-style: chr21-33032131-G-A.
Other names: G16S; short protein forms G17S.
Identifiers: ClinVar variation 14776 (VCV000014776.2), dbSNP rs121912453, ClinGen allele CA257353.

ClinVar aggregate classification (germline): Pathogenic. Review status: criteria provided, single submitter (1 of 4 stars). 2 submissions from 2 submitters: Pathogenic (1). 1 of the submissions does not count toward it. Last evaluated 2025-06-04.

Conditions:
Amyotrophic lateral sclerosis type 1 (ALS1). Also called: AMYOTROPHIC LATERAL SCLEROSIS 1, FAMILIAL. Identifiers: Orphanet 803, MedGen C1862939, MONDO:0007103, OMIM 105400.

Submissions (2):

Labcorp Genetics (formerly Invitae), Labcorp
Classification: Pathogenic for Amyotrophic lateral sclerosis type 1. Last evaluated: 2025-06-04. Review status: criteria provided, single submitter. Criteria: Invitae Variant Classification Sherloc (09022015). Collection method: clinical testing. Allele origin: germline.
Comment: This sequence change replaces glycine, which is neutral and non-polar, with serine, which is neutral and polar, at codon 17 of the SOD1 protein (p.Gly17Ser). This variant is not present in population databases (gnomAD no frequency). This missense change has been observed in individuals with autosomal dominant amyotrophic lateral sclerosis (PMID: 9101297, 32654518). This variant is also known as G16S. ClinVar contains an entry for this variant (Variation ID: 14776). Invitae Evidence Modeling of protein sequence and biophysical properties (such as structural, functional, and spatial information, amino acid conservation, physicochemical variation, residue mobility, and thermodynamic stability) indicates that this missense variant is expected to disrupt SOD1 protein function with a positive predictive value of 95%. Experimental studies have shown that this missense change affects SOD1 function (PMID: 23280792). This variant disrupts the p.Gly17 amino acid residue in SOD1. Other variant(s) that disrupt this residue have been determined to be pathogenic (PMID: 22244934, 25509359, 25623562). This suggests that this residue is clinically significant, and that variants that disrupt this residue are likely to be disease-causing. For these reasons, this variant has been classified as Pathogenic.

OMIM
Classification: Pathogenic for AMYOTROPHIC LATERAL SCLEROSIS 1. Last evaluated: 1997-01-01. Review status: no assertion criteria provided. Collection method: literature only. Allele origin: germline. Not counted in ClinVar's aggregate classification.

Literature cited by the submitters: PubMed 9101297 (cited by Labcorp Genetics (formerly Invitae), Labcorp and OMIM); PubMed 32654518 (cited by Labcorp Genetics (formerly Invitae), Labcorp); PubMed 23280792 (cited by Labcorp Genetics (formerly Invitae), Labcorp); PubMed 22244934 (cited by Labcorp Genetics (formerly Invitae), Labcorp); PubMed 25509359 (cited by Labcorp Genetics (formerly Invitae), Labcorp); PubMed 25623562 (cited by Labcorp Genetics (formerly Invitae), Labcorp).